The following is an entry in ClinVar:

ClinVar aggregate classification (germline): Uncertain significance. Review status: criteria provided, multiple submitters, no conflicts (2 of 4 stars). 3 submissions from 3 submitters: Uncertain significance (2). 1 of the submissions does not count toward it. Last evaluated 2024-10-30.

Conditions:
CNGB1-related disorder. Also called: CNGB1-related condition.

Allele frequency attached by ClinVar (database versions not stated): gnomAD exomes 0.00004 and 0.00015; gnomAD 0.00005 and 0.00007; TOPMed 0.00007; ExAC 0.00012.

Submissions (3):

Blueprint Genetics
Classification: Uncertain significance. Last evaluated: 2024-10-30. Review status: criteria provided, single submitter. Criteria: ACMG Guidelines, 2015. Collection method: clinical testing. Allele origin: germline.

Labcorp Genetics (formerly Invitae), Labcorp
Classification: Uncertain significance. Last evaluated: 2023-07-29. Review status: criteria provided, single submitter. Criteria: Invitae Variant Classification Sherloc (09022015). Collection method: clinical testing. Allele origin: germline.
Comment: In summary, the available evidence is currently insufficient to determine the role of this variant in disease. Therefore, it has been classified as a Variant of Uncertain Significance. This variant, c.846_854del, is a complex sequence change that results in the deletion of 4 and insertion of 1 amino acid(s) in the CNGB1 protein (p.Asp282_Gly285delinsGlu). This variant is present in population databases (rs760369077, gnomAD 0.2%). This variant has not been reported in the literature in individuals affected with CNGB1-related conditions. ClinVar contains an entry for this variant (Variation ID: 955083). Experimental studies and prediction algorithms are not available or were not evaluated, and the functional significance of this variant is currently unknown. Algorithms developed to predict the effect of sequence changes on RNA splicing suggest that this variant may disrupt the consensus splice site.

PreventionGenetics, part of Exact Sciences
Classification: Likely benign for CNGB1-related condition. Last evaluated: 2024-07-03. Review status: no assertion criteria provided. Collection method: clinical testing. Allele origin: germline. Not counted in ClinVar's aggregate classification.
Comment: This variant is classified as likely benign based on ACMG/AMP sequence variant interpretation guidelines (Richards et al. 2015 PMID: 25741868, with internal and published modifications).

NM_001297.5(CNGB1):c.846_854del (p.Asp282_Gly285delinsGlu)

Gene: CNGB1 (cyclic nucleotide gated channel subunit beta 1; minus strand). Cytogenetic location: 16q21.
Variant type: Deletion.
Coding change: c.846_854del on transcript NM_001297.5 (MANE Select); coding-DNA positions 846 to 854, 9 bases deleted (CTCCCCTGG; older notation c.846_854delCTCCCCTGG).
Protein change: p.Asp282_Gly285delinsGlu.
Molecular consequence: inframe indel.
Genome position (GRCh38, 1-based): chr16:57,957,361-57,957,369, CCAGGGGAG deleted on the plus strand (CTCCCCTGG on the coding strand, the reverse complement: CNGB1 is on the minus strand). VCF-style (leftmost placement, unchanged base first): chr16-57957360-CCCAGGGGAG-C. GRCh37 (hg19) VCF-style: chr16-57991264-CCCAGGGGAG-C.
Other names: c.846_854del9 (NM_001297.4); c.846_854del, p.Asp282_Gly285delinsGlu (NM_001135639.2); c.828_836del, p.Asp276_Gly279delinsGlu (NM_001286130.2).
Identifiers: ClinVar variation 955083 (VCV000955083.9), dbSNP rs760369077, ClinGen allele CA8083655.